The following is an entry in ClinVar:

NM_032888.4(COL27A1):c.3917del (p.Gly1306fs)

Gene: COL27A1 (collagen type XXVII alpha 1 chain; plus strand). Cytogenetic location: 9q32.
Variant type: Deletion.
Coding change: c.3917del on transcript NM_032888.4 (MANE Select); coding-DNA position 3917, one base deleted (G; older notation c.3917delG).
Protein change: p.Gly1306fs; shifts the reading frame from glycine 1306.
Molecular consequence: frameshift variant.
Genome position (GRCh38, 1-based): chr9:114,283,746, G deleted; the last of 3 consecutive G bases (chr9:114,283,744-114,283,746); deleting any one gives the same sequence. VCF-style (leftmost placement, unchanged base first): chr9-114283743-CG-C. GRCh37 (hg19) VCF-style: chr9-117046023-CG-C.
Other names: short protein forms G1306fs.
Identifiers: ClinVar variation 843810 (VCV000843810.7), dbSNP rs1836077490, ClinGen allele CA916083060.

ClinVar aggregate classification (germline): Pathogenic (1 of 4 stars; one submission).

Submission:

Labcorp Genetics (formerly Invitae), Labcorp
Classification: Pathogenic. Last evaluated: 2019-01-28. Review status: criteria provided, single submitter. Criteria: Invitae Variant Classification Sherloc (09022015). Collection method: clinical testing. Allele origin: germline.
Comment: For these reasons, this variant has been classified as Pathogenic. Loss-of-function variants in COL27A1 are known to be pathogenic (PMID: 24986830, 28276056). This variant has not been reported in the literature in individuals with COL27A1-related conditions. This variant is not present in population databases (ExAC no frequency). This sequence change creates a premature translational stop signal (p.Gly1306Aspfs*261) in the COL27A1 gene. It is expected to result in an absent or disrupted protein product.

Literature cited by the submitters: PubMed 24986830; PubMed 28276056.